The following is an entry in ClinVar:

ClinVar aggregate classification (germline): Uncertain significance. Review status: criteria provided, multiple submitters, no conflicts (2 of 4 stars). 2 submissions from 2 submitters: Uncertain significance (2). Last evaluated 2022-11-15.

Allele frequency attached by ClinVar (database versions not stated): ExAC 0.00001; gnomAD 0.00001; gnomAD exomes 0.00001.

Submissions (2):

Blueprint Genetics
Classification: Uncertain significance. Last evaluated: 2022-11-15. Review status: criteria provided, single submitter. Criteria: ACMG Guidelines, 2015. Collection method: clinical testing. Allele origin: germline.

Labcorp Genetics (formerly Invitae), Labcorp
Classification: Uncertain significance. Last evaluated: 2020-12-10. Review status: criteria provided, single submitter. Criteria: Invitae Variant Classification Sherloc (09022015). Collection method: clinical testing. Allele origin: germline.
Comment: This sequence change replaces arginine with histidine at codon 163 of the PISD protein (p.Arg163His). The arginine residue is moderately conserved and there is a small physicochemical difference between arginine and histidine. This variant is present in population databases (rs768977700, ExAC 0.002%). This variant has not been reported in the literature in individuals with PISD-related conditions. Algorithms developed to predict the effect of missense changes on protein structure and function are either unavailable or do not agree on the potential impact of this missense change (SIFT: "Not Available"; PolyPhen-2: "Benign"; Align-GVGD: "Not Available"). In summary, the available evidence is currently insufficient to determine the role of this variant in disease. Therefore, it has been classified as a Variant of Uncertain Significance.

NM_001326411.2(PISD):c.488G>A (p.Arg163His)

Gene: PISD (phosphatidylserine decarboxylase; minus strand). Cytogenetic location: 22q12.2.
Variant type: single nucleotide variant.
Coding change: c.488G>A on transcript NM_001326411.2 (MANE Select); coding-DNA position 488, G replaced by A.
Protein change: p.Arg163His; replaces arginine 163 with histidine.
Molecular consequence: missense variant.
Genome position (GRCh38, 1-based): chr22:31,621,719, C>T on the plus strand (G>A on the coding strand, the complement: PISD is on the minus strand). VCF-style: chr22-31621719-C-T. GRCh37 (hg19) VCF-style: chr22-32017705-C-T.
Other names: c.425G>A, p.Arg142His (NM_001326412.1, NM_001326413.2, NM_001326414.2); c.386G>A, p.Arg129His (NM_001326415.2, NM_001326416.2, NM_001326417.2 and 3 more transcripts); c.308G>A, p.Arg103His (NM_001326418.2, NM_001326420.2); c.488G>A, p.Arg163His (NM_001326421.1); short protein forms R142H, R103H, R129H, R163H.
Identifiers: ClinVar variation 1482417 (VCV001482417.6), dbSNP rs768977700, ClinGen allele CA10194791.
Genomic context (GRCh38, chr22:31,621,719, plus strand): 5'-AGGCCACAGACAGGCCGGGCCTGCGGCTTCAGCTTGCGCCGGAAGAACTCGCTGAGGTTG[C>T]GGTAGTGATGCAGGTCCTCCACAGCGGCCTCTTTCATGTTCACCCCAAACGTCCAGATGT-3'
Protein context (NP_001313340.1, residues 153-173): EAAVEDLHHY[Arg163His]NLSEFFRRKL